The following is an entry in ClinVar:

ClinVar aggregate classification (germline): Conflicting classifications of pathogenicity. Review status: criteria provided, conflicting classifications (1 of 4 stars). 3 submissions from 3 submitters: Uncertain significance (1); Likely benign (2). Last evaluated 2026-01-08.

Conditions:
COL11A1-related disorder. Also called: COL11A1-related condition; COL11A1-related disorders.

Allele frequency attached by ClinVar (database versions not stated): ExAC 0.00001.
gnomAD v4.1: 3 of 1,604,502 alleles (0.00019%); highest among the groups gnomAD compares: Non-Finnish European, 0.000085%; no homozygotes.

Submissions (3):

PreventionGenetics, part of Exact Sciences
Classification: Likely benign for COL11A1-related condition. Last evaluated: 2026-01-08. Review status: criteria provided, single submitter. Criteria: ACMG Guidelines, 2015. Collection method: clinical testing. Allele origin: germline.
Comment: This variant is classified as likely benign based on ACMG/AMP sequence variant interpretation guidelines (Richards et al. 2015 PMID: 25741868, with internal and published modifications).

Labcorp Genetics (formerly Invitae), Labcorp
Classification: Uncertain significance. Last evaluated: 2025-03-05. Review status: criteria provided, single submitter. Criteria: Invitae Variant Classification Sherloc (09022015). Collection method: clinical testing. Allele origin: germline.
Comment: This sequence change affects codon 1326 of the COL11A1 mRNA. It is a 'silent' change, meaning that it does not change the encoded amino acid sequence of the COL11A1 protein. It affects a nucleotide within the consensus splice site. This variant is present in population databases (rs765205964, gnomAD 0.0008%). This variant has not been reported in the literature in individuals affected with COL11A1-related conditions. ClinVar contains an entry for this variant (Variation ID: 1956001). Algorithms developed to predict the effect of sequence changes on RNA splicing suggest that this variant is not likely to affect RNA splicing. In summary, the available evidence is currently insufficient to determine the role of this variant in disease. Therefore, it has been classified as a Variant of Uncertain Significance.

Blueprint Genetics
Classification: Likely benign. Last evaluated: 2020-01-31. Review status: criteria provided, single submitter. Criteria: ACMG Guidelines, 2015. Collection method: clinical testing. Allele origin: germline.

NM_001854.4(COL11A1):c.3978A>G (p.Ala1326=)

Gene: COL11A1 (collagen type XI alpha 1 chain; minus strand). Cytogenetic location: 1p21.1.
Variant type: single nucleotide variant.
Coding change: c.3978A>G on transcript NM_001854.4 (MANE Select); coding-DNA position 3978, A replaced by G.
Protein change: p.Ala1326=; no amino-acid change (alanine 1326 retained).
Molecular consequence: synonymous variant. On other transcripts: non-coding transcript variant (1).
Genome position (GRCh38, 1-based): chr1:102,914,352, T>C on the plus strand (A>G on the coding strand, the complement: COL11A1 is on the minus strand). VCF-style: chr1-102914352-T-C. GRCh37 (hg19) VCF-style: chr1-103379908-T-C.
Other names: c.3630A>G, p.Ala1210= (NM_001168249.1, NM_080630.4); c.3861A>G, p.Ala1287= (NM_001190709.2); c.4014A>G, p.Ala1338= (NM_080629.3); c.3978A>G (NM_001854.3).
Identifiers: ClinVar variation 1956001 (VCV001956001.7), dbSNP rs765205964, ClinGen allele CA973748.